The following is an entry in ClinVar:

ClinVar aggregate classification (germline): Conflicting classifications of pathogenicity. Review status: criteria provided, conflicting classifications (1 of 4 stars). 4 submissions from 4 submitters: Uncertain significance (1); Likely benign (2). 1 of the submissions does not count toward it. Last evaluated 2026-02-10.

Conditions:
Dystonic disorder. Also called: Dystonia. Identifiers: MedGen C0013421, MONDO:0003441, HP:0001332.
Early-onset generalized limb-onset dystonia. Also called: DYT-TOR1A; DYSTONIA 1, TORSION, AUTOSOMAL DOMINANT; Early onset torsion dystonia; Dystonia 1, modifier of; Oppenheim's dystonia; DYSTONIA MUSCULORUM DEFORMANS 1. Identifiers: Orphanet 256, MedGen C1851945, MONDO:0007492, OMIM 128100.

Allele frequency attached by ClinVar (database versions not stated): TOPMed 0.00008; ESP Exome Variant Server 0.00023; gnomAD 0.00025 and 0.00027; gnomAD exomes 0.00029 and 0.00016; ExAC 0.00031.
gnomAD v4.1: 260 of 1,614,078 alleles (0.016%); highest among the groups gnomAD compares: Non-Finnish European, 0.013%; no homozygotes.

Submissions (4):

GeneDx
Classification: Uncertain significance. Last evaluated: 2026-02-10. Review status: criteria provided, single submitter. Criteria: GeneDx Variant Classification Process June 2021. Collection method: clinical testing. Allele origin: germline. Affected: yes.
Comment: Reported in a patient with Parkinson disease (PMID: 31892495); Published functional studies demonstrate a damaging effect on protein function (PMID: 24931141); In silico analysis suggests that this missense variant does not alter protein structure/function; This variant is associated with the following publications: (PMID: 27911022, 24931141, 31892495)

Labcorp Genetics (formerly Invitae), Labcorp
Classification: Likely benign for Dystonic disorder. Last evaluated: 2026-01-06. Review status: criteria provided, single submitter. Criteria: Invitae Variant Classification Sherloc (09022015). Collection method: clinical testing. Allele origin: germline.

CeGaT Center for Human Genetics Tuebingen
Classification: Likely benign. Last evaluated: 2025-11-01. Review status: criteria provided, single submitter. Criteria: CeGaT Center For Human Genetics Tuebingen Variant Classification Criteria Version 2. Collection method: clinical testing. Allele origin: germline. Affected: yes. Observed: 7 variant alleles.
Comment: TOR1A: BP4

GeneReviews
No classification provided. Condition: Early-onset generalized limb-onset dystonia. Review status: no classification provided. Collection method: literature only. Allele origin: germline. Affected: yes. Not counted in ClinVar's aggregate classification.

Literature cited by the submitters: NCBI Bookshelf NBK1492 (cited by GeneReviews).

NM_000113.3(TOR1A):c.361G>A (p.Glu121Lys)

Gene: TOR1A (torsin family 1 member A; minus strand). Cytogenetic location: 9q34.11.
Variant type: single nucleotide variant.
Coding change: c.361G>A on transcript NM_000113.3 (MANE Select); coding-DNA position 361, G replaced by A.
Protein change: p.Glu121Lys; replaces glutamic acid 121 with lysine.
Molecular consequence: missense variant.
Genome position (GRCh38, 1-based): chr9:129,822,664, C>T on the plus strand (G>A on the coding strand, the complement: TOR1A is on the minus strand). VCF-style: chr9-129822664-C-T. GRCh37 (hg19) VCF-style: chr9-132584943-C-T.
Other names: short protein forms E121K.
Identifiers: ClinVar variation 268213 (VCV000268213.49), dbSNP rs199535970, ClinGen allele CA5278699.
Genomic context (GRCh38, chr9:129,822,664, plus strand): 5'-CATGTGGAAAGTGCAATGTGGCCACAAACAGGTGGACATAGTCACTGTTCAGACCACCCT[C>T]GTAAATATTCTCTGCGATGATCTTGCTGACGAAATTTTTGCCGGTGCCTGTCCACCCGTG-3'
Protein context (NP_000104.1, residues 111-131): VSKIIAENIY[Glu121Lys]GGLNSDYVHL